The following is an entry in ClinVar:

ClinVar aggregate classification (germline): Uncertain significance (1 of 4 stars; one submission).

Allele frequency attached by ClinVar (database versions not stated): ExAC 0.00001; TOPMed 0.00002.
gnomAD v4.1: 34 of 1,613,272 alleles (0.0021%); highest among the groups gnomAD compares: Non-Finnish European, 0.0025%; no homozygotes.

Submission:

CeGaT Center for Human Genetics Tuebingen
Classification: Uncertain significance. Last evaluated: 2022-11-01. Review status: criteria provided, single submitter. Criteria: CeGaT Center For Human Genetics Tuebingen Variant Classification Criteria Version 2. Collection method: clinical testing. Allele origin: germline. Affected: yes. Observed: 1 variant allele.
Comment: AP4E1: PM2

NM_007347.5(AP4E1):c.1937G>A (p.Arg646His)

Gene: AP4E1 (adaptor related protein complex 4 subunit epsilon 1; plus strand). Cytogenetic location: 15q21.2.
Variant type: single nucleotide variant.
Coding change: c.1937G>A on transcript NM_007347.5 (MANE Select); coding-DNA position 1937, G replaced by A.
Protein change: p.Arg646His; replaces arginine 646 with histidine.
Molecular consequence: missense variant.
Genome position (GRCh38, 1-based): chr15:50,968,348, G>A. VCF-style: chr15-50968348-G-A. GRCh37 (hg19) VCF-style: chr15-51260545-G-A.
Other names: c.1712G>A, p.Arg571His (NM_001252127.2); short protein forms R571H, R646H.
Identifiers: ClinVar variation 2645336 (VCV002645336.24), dbSNP rs775211638, ClinGen allele CA7559199.